The following is an entry in ClinVar:

ClinVar aggregate classification (germline): Pathogenic (1 of 4 stars; one submission).

Conditions:
Osteogenesis imperfecta type I (OI1). Also called: Lobstein disease; OI, TYPE I; OSTEOGENESIS IMPERFECTA TARDA; OSTEOGENESIS IMPERFECTA WITH BLUE SCLERAE; Osteogenesis imperfecta type 1; Classic Non-deforming Osteogenesis Imperfecta with Blue Sclerae. Identifiers: Orphanet 216796, Orphanet 666, MedGen C0023931, MONDO:0008146, OMIM 166200. Disease mechanism: loss of function.

Submission:

Labcorp Genetics (formerly Invitae), Labcorp
Classification: Pathogenic for Osteogenesis imperfecta type I. Last evaluated: 2022-03-26. Review status: criteria provided, single submitter. Criteria: Invitae Variant Classification Sherloc (09022015). Collection method: clinical testing. Allele origin: germline.
Comment: For these reasons, this variant has been classified as Pathogenic. This variant disrupts a region of the COL1A1 protein in which other variant(s) (p.Asp1219Asn) have been determined to be pathogenic (PMID: 21344539, 26177859, 29669177). This suggests that this is a clinically significant region of the protein, and that variants that disrupt it are likely to be disease-causing. This variant has not been reported in the literature in individuals affected with COL1A1-related conditions. This variant is not present in population databases (gnomAD no frequency). This variant, c.3654_3662del, results in the deletion of 3 amino acid(s) of the COL1A1 protein (p.Asp1219_Ala1221del), but otherwise preserves the integrity of the reading frame.

Literature cited by the submitters: PubMed 21344539; PubMed 26177859; PubMed 29669177.

NM_000088.4(COL1A1):c.3654_3662del (p.Asp1219_Ala1221del)

Gene: COL1A1 (collagen type I alpha 1 chain; minus strand). Cytogenetic location: 17q21.33.
Variant type: Deletion.
Coding change: c.3654_3662del on transcript NM_000088.4 (MANE Select); coding-DNA positions 3654 to 3662, 9 bases deleted (TGATGATGC; older notation c.3654_3662delTGATGATGC).
Protein change: p.Asp1219_Ala1221del.
Molecular consequence: inframe deletion.
Genome position (GRCh38, 1-based): chr17:50,186,792-50,186,800, GCATCATCA deleted on the plus strand (TGATGATGC on the coding strand, the reverse complement: COL1A1 is on the minus strand); deleting any 9 consecutive bases within chr17:50,186,792-50,186,802 gives the same sequence; the c. name uses the placement nearest the transcript's 3' end. VCF-style (leftmost placement, unchanged base first): chr17-50186791-GGCATCATCA-G. GRCh37 (hg19) VCF-style: chr17-48264152-GGCATCATCA-G.
Identifiers: ClinVar variation 2117198 (VCV002117198.4), dbSNP rs74315144, ClinGen allele CA291542877.